The following is an entry in ClinVar:

ClinVar aggregate classification (germline): Uncertain significance (1 of 4 stars; one submission).

Conditions:
Central core myopathy (CMYO1A). Also called: CONGENITAL MYOPATHY 1A, AUTOSOMAL DOMINANT, WITH SUSCEPTIBILITY TO MALIGNANT HYPERTHERMIA; Central core disease; Myopathy, central fibrillar. Identifiers: Orphanet 597, MedGen C5830701, MONDO:0007294, OMIM 117000.

Allele frequency attached by ClinVar (database versions not stated): gnomAD exomes below 0.00001 and 0.00001.
gnomAD v4.1: 8 of 1,613,728 alleles (0.0005%); highest among the groups gnomAD compares: Non-Finnish European, 0.00051%; no homozygotes.

Submission:

Neuberg Centre For Genomic Medicine, NCGM
Classification: Uncertain significance for Central core myopathy. Review status: criteria provided, single submitter. Criteria: ACMG Guidelines, 2015. Collection method: clinical testing. Allele origin: germline. Affected: yes.
Comment: The splice region variant c.7215-3C>T in RYR1 (NM_000540.3) has not been reported previously as a pathogenic variant nor as a benign variant, to our knowledge. The c.7215-3C>T variant is observed in 1/21,632 (0.0046%) alleles from individuals of Finnish background in gnomAD Exomes and is novel (not in any individuals) in 1000 Genomes. The c.7215-3C>T variant is not predicted to disrupt splicing by any splice site algorithm. The c.7215-3C>T variant results in a substitution of a base that is not predicted conserved by GERP++ and PhyloP. For these reasons, this variant has been classified as Uncertain Significance.

NM_000540.3(RYR1):c.7215-3C>T

Gene: RYR1 (ryanodine receptor 1; plus strand). Cytogenetic location: 19q13.2.
Variant type: single nucleotide variant.
Coding change: c.7215-3C>T on transcript NM_000540.3 (MANE Select); 3 bases into the intron before coding-DNA position 7215, C replaced by T.
Molecular consequence: intron variant.
Genome position (GRCh38, 1-based): chr19:38,499,905, C>T. VCF-style: chr19-38499905-C-T. GRCh37 (hg19) VCF-style: chr19-38990545-C-T.
Other names: c.7215-3C>T (NM_001042723.2).
Identifiers: ClinVar variation 1339042 (VCV001339042.2), dbSNP rs1190472871, ClinGen allele CA633066134.